The following is an entry in ClinVar:

NM_000035.4(ALDOB):c.*897G>A

Gene: ALDOB (aldolase, fructose-bisphosphate B; minus strand). Cytogenetic location: 9q31.1.
Variant type: single nucleotide variant.
Coding change: c.*897G>A on transcript NM_000035.4 (MANE Select); 897 bases downstream of the stop codon, G replaced by A.
Molecular consequence: 3 prime UTR variant.
Genome position (GRCh38, 1-based): chr9:101,420,912, C>T on the plus strand (G>A on the coding strand, the complement: ALDOB is on the minus strand). VCF-style: chr9-101420912-C-T. GRCh37 (hg19) VCF-style: chr9-104183194-C-T.
Other names: c.*897G>A (LRG_1244t1).
Identifiers: ClinVar variation 364291 (VCV000364291.6), dbSNP rs17772839, ClinGen allele CA10626081.

ClinVar aggregate classification (germline): Benign. Review status: criteria provided, multiple submitters, no conflicts (2 of 4 stars). 2 submissions from 2 submitters: Benign (2). Last evaluated 2018-01-13.

Conditions:
Hereditary fructosuria. Also called: Fructose intolerance; ALDOB DEFICIENCY; ALDOLASE B DEFICIENCY; FRUCTOSE-1,6-BISPHOSPHATE ALDOLASE B DEFICIENCY; FRUCTOSE-1-PHOSPHATE ALDOLASE DEFICIENCY; FRUCTOSEMIA. Identifiers: Orphanet 469, MedGen C0016751, MONDO:0009249, OMIM 229600, HP:0005973. Disease mechanism: loss of function.

Allele frequency attached by ClinVar (database versions not stated): 1000 Genomes Project 0.06250; 1000 Genomes Project 30x 0.06683; TOPMed 0.07747; gnomAD 0.07843 and 0.07869.

Submissions (2):

Illumina Laboratory Services, Illumina
Classification: Benign for Hereditary fructosuria. Last evaluated: 2018-01-13. Review status: criteria provided, single submitter. Criteria: ICSL Variant Classification Criteria 13 December 2019. Collection method: clinical testing. Allele origin: germline.
Comment: This variant was observed in the ICSL laboratory as part of a predisposition screen in an ostensibly healthy population. It had not been previously curated by ICSL or reported in the Human Gene Mutation Database (HGMD: prior to June 1st, 2018), and was therefore a candidate for classification through an automated scoring system. Utilizing variant allele frequency, disease prevalence and penetrance estimates, and inheritance mode, an automated score was calculated to assess if this variant is too frequent to cause the disease. Based on the score and internal cut-off values, a variant classified as benign is not then subjected to further curation. The score for this variant resulted in a classification of benign for this disease.

Breakthrough Genomics
Classification: Benign. Review status: criteria provided, single submitter. Criteria: ACMG Guidelines, 2015. Collection method: not provided. Allele origin: germline. Inheritance: Autosomal recessive inheritance. Affected: yes.